The following is an entry in ClinVar:

ClinVar aggregate classification (germline): Uncertain significance. Review status: criteria provided, multiple submitters, no conflicts (2 of 4 stars). 3 submissions from 3 submitters: Uncertain significance (2). 1 of the submissions does not count toward it. Last evaluated 2024-02-17.

Conditions:
Nemaline myopathy 2 (NEM2). Also called: Nemaline myopathy 2, autosomal recessive. Identifiers: MedGen C1850569, MONDO:0009725, OMIM 256030.

Submissions (3):

Labcorp Genetics (formerly Invitae), Labcorp
Classification: Uncertain significance for Nemaline myopathy 2. Last evaluated: 2024-02-17. Review status: criteria provided, single submitter. Criteria: Invitae Variant Classification Sherloc (09022015). Collection method: clinical testing. Allele origin: germline.
Comment: This sequence change replaces proline, which is neutral and non-polar, with alanine, which is neutral and non-polar, at codon 3678 of the NEB protein (p.Pro3678Ala). This variant is not present in population databases (gnomAD no frequency). This variant has not been reported in the literature in individuals affected with NEB-related conditions. ClinVar contains an entry for this variant (Variation ID: 252579). Experimental studies and prediction algorithms are not available or were not evaluated, and the functional significance of this variant is currently unknown. In summary, the available evidence is currently insufficient to determine the role of this variant in disease. Therefore, it has been classified as a Variant of Uncertain Significance.

Genomic Diagnostic Laboratory, Division of Genomic Diagnostics, Children's Hospital of Philadelphia
Classification: Uncertain significance. Last evaluated: 2015-07-27. Review status: criteria provided, single submitter. Criteria: DGD Variant Analysis Guidelines. Collection method: clinical testing. Allele origin: unknown.

Natera, Inc.
Classification: Uncertain significance for Nemaline myopathy type 2. Last evaluated: 2021-04-21. Review status: no assertion criteria provided. Collection method: clinical testing. Allele origin: germline. Not counted in ClinVar's aggregate classification.

NM_001164508.2(NEB):c.11032C>G (p.Pro3678Ala)

Gene: NEB (nebulin; minus strand). Cytogenetic location: 2q23.3.
Variant type: single nucleotide variant.
Coding change: c.11032C>G on transcript NM_001164508.2 (MANE Select); coding-DNA position 11032, C replaced by G.
Protein change: p.Pro3678Ala; replaces proline 3678 with alanine.
Molecular consequence: missense variant.
Genome position (GRCh38, 1-based): chr2:151,618,319, G>C on the plus strand (C>G on the coding strand, the complement: NEB is on the minus strand). VCF-style: chr2-151618319-G-C. GRCh37 (hg19) VCF-style: chr2-152474833-G-C.
Other names: c.11032C>G, p.Pro3678Ala (NM_001164507.2, NM_001271208.2); c.10303C>G, p.Pro3435Ala (NM_004543.5); short protein forms P3678A, P3435A.
Identifiers: ClinVar variation 252579 (VCV000252579.14), dbSNP rs879255369, ClinGen allele CA10585962.